The following is an entry in ClinVar:

NM_001365951.3(KIF1B):c.1818C>T (p.Tyr606=)

Gene: KIF1B (kinesin family member 1B; plus strand). Cytogenetic location: 1p36.22.
Variant type: single nucleotide variant.
Coding change: c.1818C>T on transcript NM_001365951.3 (MANE Select); coding-DNA position 1818, C replaced by T.
Protein change: p.Tyr606=; no amino-acid change (tyrosine 606 retained).
Molecular consequence: synonymous variant.
Genome position (GRCh38, 1-based): chr1:10,296,622, C>T. VCF-style: chr1-10296622-C-T. GRCh37 (hg19) VCF-style: chr1-10356680-C-T.
Other names: c.1818C>T, p.Tyr606= (NM_001365952.1); c.1680C>T, p.Tyr560= (NM_001365953.1, NM_015074.3, NM_183416.4).
Identifiers: ClinVar variation 543258 (VCV000543258.15), dbSNP rs760404775, ClinGen allele CA581095.

ClinVar aggregate classification (germline): Likely benign. Review status: criteria provided, multiple submitters, no conflicts (2 of 4 stars). 4 submissions from 4 submitters: Likely benign (3). 1 of the submissions does not count toward it. Last evaluated 2026-01-04.

Conditions:
Charcot-Marie-Tooth disease type 2. Also called: Charcot-Marie-Tooth type 2. Identifiers: Orphanet 64746, MedGen C0270914, MONDO:0018993.
KIF1B-related disorder. Also called: KIF1B-related condition.

Allele frequency attached by ClinVar (database versions not stated): gnomAD exomes below 0.00001 and 0.00001; ExAC below 0.00001; gnomAD 0.00001; TOPMed 0.00002.
gnomAD v4.1: 17 of 1,613,840 alleles (0.0011%); highest among the groups gnomAD compares: Admixed American, 0.0017%; no homozygotes.

Submissions (4):

Labcorp Genetics (formerly Invitae), Labcorp
Classification: Likely benign for Charcot-Marie-Tooth disease type 2. Last evaluated: 2026-01-04. Review status: criteria provided, single submitter. Criteria: Invitae Variant Classification Sherloc (09022015). Collection method: clinical testing. Allele origin: germline.

ARUP Laboratories, Molecular Genetics and Genomics, ARUP Laboratories
Classification: Likely benign. Last evaluated: 2024-12-31. Review status: criteria provided, single submitter. Criteria: ARUP Molecular Germline Variant Investigation Process 2024. Collection method: clinical testing. Allele origin: germline.

Ambry Genetics
Classification: Likely benign. Last evaluated: 2021-02-04. Review status: criteria provided, single submitter. Criteria: Ambry Variant Classification Scheme 2023. Collection method: clinical testing. Allele origin: germline.

PreventionGenetics, part of Exact Sciences
Classification: Likely benign for KIF1B-related condition. Last evaluated: 2019-06-27. Review status: no assertion criteria provided. Collection method: clinical testing. Allele origin: germline. Not counted in ClinVar's aggregate classification.
Comment: This variant is classified as likely benign based on ACMG/AMP sequence variant interpretation guidelines (Richards et al. 2015 PMID: 25741868, with internal and published modifications).